The following is an entry in ClinVar:

ClinVar aggregate classification (germline): Benign. Review status: criteria provided, multiple submitters, no conflicts (2 of 4 stars). 2 submissions from 2 submitters: Benign (2). Last evaluated 2018-06-14.

Conditions:
Maturity-onset diabetes of the young (MODY). Also called: Maturity onset diabetes mellitus in young. Identifiers: Orphanet 552, MedGen C0342276, MONDO:0018911, HP:0004904.

Allele frequency attached by ClinVar (database versions not stated): 1000 Genomes Project 30x 0.03482; TOPMed 0.06040; gnomAD 0.06049 and 0.06206; 1000 Genomes Project 0.03335.
gnomAD v4.1: 9,267 of 152,206 alleles (6.1%); highest among the groups gnomAD compares: Middle Eastern, 9.5%; 410 homozygotes.

Submissions (2):

GeneDx
Classification: Benign. Last evaluated: 2018-06-14. Review status: criteria provided, single submitter. Criteria: GeneDx Variant Classification (06012015). Collection method: clinical testing. Allele origin: germline. Affected: yes.
Comment: This variant is considered likely benign or benign based on one or more of the following criteria: it is a conservative change, it occurs at a poorly conserved position in the protein, it is predicted to be benign by multiple in silico algorithms, and/or has population frequency not consistent with disease.

Clinical Genomics, Uppaluri K&H Personalized Medicine Clinic
Classification: Benign for Maturity-onset diabetes of the young. Review status: criteria provided, single submitter. Criteria: K & H Uppaluri Personalized Medicine Clinic Variant Classification & Assertion Criteria_Updated V.1. Collection method: research. Allele origin: unknown. Inheritance: Autosomal dominant inheritance.
Comment: HNF1B gene mutations are associated with early onset diabetes and pancreatic atrophy. It is also associated with multiple renal manifestations including renal cysts, Tubulointerstitial disease, glomerulocystic disease, renal hypoplasia, hypomagnesemia. However no sufficient evidence is found to ascertain the role of this particular variant rs72830475, yet.

Literature cited by the submitters: PubMed 24897035 (cited by Clinical Genomics, Uppaluri K&H Personalized Medicine Clinic); PubMed 25536396 (cited by Clinical Genomics, Uppaluri K&H Personalized Medicine Clinic); PubMed 27615128 (cited by Clinical Genomics, Uppaluri K&H Personalized Medicine Clinic); PubMed 28215227 (cited by Clinical Genomics, Uppaluri K&H Personalized Medicine Clinic); PubMed 33434175 (cited by Clinical Genomics, Uppaluri K&H Personalized Medicine Clinic); PubMed 25741167 (cited by Clinical Genomics, Uppaluri K&H Personalized Medicine Clinic); PubMed 26340261 (cited by Clinical Genomics, Uppaluri K&H Personalized Medicine Clinic); PubMed 19639018 (cited by Clinical Genomics, Uppaluri K&H Personalized Medicine Clinic).

NM_000458.4(HNF1B):c.1534+252G>C

Gene: HNF1B (HNF1 homeobox B; minus strand). Cytogenetic location: 17q12.
Variant type: single nucleotide variant.
Coding change: c.1534+252G>C on transcript NM_000458.4 (MANE Select); 252 bases into the intron after coding-DNA position 1534, G replaced by C.
Molecular consequence: intron variant.
Genome position (GRCh38, 1-based): chr17:37,700,731, C>G on the plus strand (G>C on the coding strand, the complement: HNF1B is on the minus strand). VCF-style: chr17-37700731-C-G. GRCh37 (hg19) VCF-style: chr17-36060736-C-G.
Other names: c.1261+4186G>C (NM_001304286.2); c.1456+252G>C (NM_001165923.4).
Identifiers: ClinVar variation 672693 (VCV000672693.2), dbSNP rs72830475, ClinGen allele CA14378018.
Genomic context (GRCh38, chr17:37,700,731, plus strand): 5'-CCAGAGGTGTTGGAATGGGAAATTGGCGGTGTGTGTTCCACATGCTGTCTGGCTCCAATT[C>G]CCCTTCATCTGTAGGCCTACACTGTCCTCTTCAAACCCTTCCCTGGGAATCTCAGGGGTA-3'